The following is an entry in ClinVar:

ClinVar aggregate classification (germline): Pathogenic (1 of 4 stars; one submission).

Conditions:
Autosomal recessive nonsyndromic hearing loss 48. Also called: Deafness, autosomal recessive 48; Usher Syndrome Type 1J. Identifiers: Orphanet 231169, Orphanet 886, Orphanet 90636, MedGen C1836199, MONDO:0012273, OMIM 609439.

Submission:

Institute of Rare Diseases, West China Hospital, Sichuan University
Classification: Pathogenic for Autosomal recessive nonsyndromic hearing loss 48. Last evaluated: 2025-01-09. Review status: criteria provided, single submitter. Criteria: ClinGen HL ACMG Specifications v1. Collection method: research. Allele origin: germline. Affected: yes.
Comment: PVS1;PM3;PM2_Supporting

NM_006383.4(CIB2):c.286del (p.Ser96fs)

Gene: CIB2 (calcium and integrin binding family member 2; minus strand). Cytogenetic location: 15q25.1.
Variant type: Deletion.
Coding change: c.286del on transcript NM_006383.4 (MANE Select); coding-DNA position 286, one base deleted (T; older notation c.286delT).
Protein change: p.Ser96fs; shifts the reading frame from serine 96.
Molecular consequence: frameshift variant. On other transcripts: non-coding transcript variant (1).
Genome position (GRCh38, 1-based): chr15:78,109,295, A deleted on the plus strand (T on the coding strand, the reverse complement: CIB2 is on the minus strand); the first of 4 consecutive A bases (chr15:78,109,295-78,109,298); deleting any one gives the same sequence. VCF-style (leftmost placement, unchanged base first): chr15-78109294-GA-G. GRCh37 (hg19) VCF-style: chr15-78401636-GA-G.
Other names: c.157del, p.Ser53fs (NM_001271888.2); c.139del, p.Ser47fs (NM_001271889.2); c.301del, p.Ser101fs (NM_001301224.2); short protein forms S101fs, S47fs, S53fs, S96fs.
Identifiers: ClinVar variation 3601868 (VCV003601868.1).
Genomic context (GRCh38, chr15:78,109,294, plus strand): 5'-CCATAGATCTTGAAGGCATAGTTTGCCTTGAGCTCTCGGGGAGCCGACTCGCAGAGCACG[GA>G]AAACATGTCCACAAAGTCGTTGAAAGTGAGGTTCCCCTCACCATCCTCGGAAAACGCCGC-3'